The following is an entry in ClinVar:

ClinVar aggregate classification (germline): Conflicting classifications of pathogenicity. Review status: criteria provided, conflicting classifications (1 of 4 stars). 5 submissions from 5 submitters: Uncertain significance (4); Likely benign (1). Last evaluated 2025-11-12.

Conditions:
NSD1-related disorder. Also called: NSD1-related condition.
Sotos syndrome (SOTOS). Also called: Sotos' syndrome; CHROMOSOME 5q35 DELETION SYNDROME; Distinctive facial appearance, overgrowth in childhood, and learning disabilities or delayed development; SOTOS SYNDROME 1; CEREBRAL GIGANTISM. Identifiers: Orphanet 821, MedGen C0175695, MONDO:0019349, OMIM 117550.

Allele frequency attached by ClinVar (database versions not stated): gnomAD 0.00002; TOPMed 0.00004; ExAC 0.00004; gnomAD exomes 0.00002.
gnomAD v4.1: 46 of 1,614,010 alleles (0.0029%); highest among the groups gnomAD compares: Non-Finnish European, 0.0038%; no homozygotes.

Submissions (5):

Labcorp Genetics (formerly Invitae), Labcorp
Classification: Uncertain significance. Last evaluated: 2025-11-12. Review status: criteria provided, single submitter. Criteria: Invitae Variant Classification Sherloc (09022015). Collection method: clinical testing. Allele origin: germline.
Comment: This sequence change replaces serine, which is neutral and polar, with leucine, which is neutral and non-polar, at codon 766 of the NSD1 protein (p.Ser766Leu). This variant is present in population databases (rs773591859, gnomAD 0.004%). This variant has not been reported in the literature in individuals affected with NSD1-related conditions. ClinVar contains an entry for this variant (Variation ID: 426451). An algorithm developed to predict the effect of missense changes on protein structure and function outputs the following: PolyPhen-2: "Benign". The leucine amino acid residue is found in multiple mammalian species, which suggests that this missense change does not adversely affect protein function. In summary, the available evidence is currently insufficient to determine the role of this variant in disease. Therefore, it has been classified as a Variant of Uncertain Significance.

PreventionGenetics, part of Exact Sciences
Classification: Likely benign for NSD1-related condition. Last evaluated: 2025-06-04. Review status: criteria provided, single submitter. Criteria: ACMG Guidelines, 2015. Collection method: clinical testing. Allele origin: germline.
Comment: This variant is classified as likely benign based on ACMG/AMP sequence variant interpretation guidelines (Richards et al. 2015 PMID: 25741868, with internal and published modifications).

Fulgent Genetics
Classification: Uncertain significance for Sotos syndrome. Last evaluated: 2024-05-11. Review status: criteria provided, single submitter. Criteria: ACMG Guidelines, 2015. Collection method: clinical testing. Allele origin: germline.

Pittsburgh Clinical Genomics Laboratory, University of Pittsburgh Medical Center
Classification: Uncertain significance for Sotos syndrome. Last evaluated: 2022-06-03. Review status: criteria provided, single submitter. Criteria: ACMG Guidelines, 2015. Collection method: clinical testing. Allele origin: germline. Inheritance: Autosomal dominant inheritance. Affected: yes.
Comment: This sequence variant is a single nucleotide substitution (C>T) at position 2297 of the coding sequence of the NSD1 gene that results in a serine to leucine amino acid change at residue 766 of the NSD1 protein. Though the Ser766 residue is not in a recognized protein domain, this serine is post-translatiolly phosphorylated (Uniprot). This is a previously reported variant (ClinVar) that has not been observed in an individual with Sotos syndrome in the published literature, to our knowledge. This variant is present in control population datasets (gnomAD database, 5 of 251,368 alleles, 0.002%). Multiple bioinformatic tools predict that this serine to leucine amino acid change would be neutral, and the Ser766 is poorly conserved across the vertebrate species examined. Studies examining the functiol consequence of this variant have not been published, to our knowledge. At this time, there is insufficient evidence to determine if this variant is pathogenic or benign. Therefore, we consider this a variant of uncertain significance. ACMG Criteria: BP1, BP4, PM2

GeneDx
Classification: Uncertain significance. Last evaluated: 2017-04-17. Review status: criteria provided, single submitter. Criteria: GeneDx Variant Classification (06012015). Collection method: clinical testing. Allele origin: germline. Affected: yes.
Comment: The S766L variant in the NSD1 gene has not been reported previously as a pathogenic variant, nor as a benign variant, to our knowledge. The S766L variant is observed in 1/16508 (0.006%) alleles from individuals of South Asian background in large population cohorts (Lek et al., 2016; 1000 Genomes Consortium et al., 2015; Exome Variant Server). The S766L variant is a non-conservative amino acid substitution, which is likely to impact secondary protein structure as these residues differ in polarity, charge, size and/or other properties. This substitution occurs at a position where amino acids with similar properties to Serine are tolerated across species. In silico analysis is inconsistent in its predictions as to whether or not the variant is damaging to the protein structure/function. We interpret S766L as a variant of uncertain significance.

NM_022455.5(NSD1):c.2297C>T (p.Ser766Leu)

Gene: NSD1 (nuclear receptor binding SET domain protein 1; plus strand). Cytogenetic location: 5q35.3.
Variant type: single nucleotide variant.
Coding change: c.2297C>T on transcript NM_022455.5 (MANE Select); coding-DNA position 2297, C replaced by T.
Protein change: p.Ser766Leu; replaces serine 766 with leucine.
Molecular consequence: missense variant.
Genome position (GRCh38, 1-based): chr5:177,210,696, C>T. VCF-style: chr5-177210696-C-T. GRCh37 (hg19) VCF-style: chr5-176637697-C-T.
Other names: c.1544C>T, p.Ser515Leu (NM_001409305.1); c.1424C>T, p.Ser475Leu (NM_001409306.1, NM_001409307.1, NM_001409308.1 and 3 more transcripts); c.2297C>T, p.Ser766Leu (NM_001409301.1, NM_001409302.1, NM_001409303.1); c.1877C>T, p.Ser626Leu (NM_001409304.1); short protein forms S766L, S497L, S626L, S475L, S515L.
Identifiers: ClinVar variation 426451 (VCV000426451.11), dbSNP rs773591859, ClinGen allele CA3577236.